The following is an entry in ClinVar:

NM_004380.3(CREBBP):c.5412C>T (p.His1804=)

Gene: CREBBP (CREB binding lysine acetyltransferase; minus strand). Cytogenetic location: 16p13.3.
Variant type: single nucleotide variant.
Coding change: c.5412C>T on transcript NM_004380.3 (MANE Select); coding-DNA position 5412, C replaced by T.
Protein change: p.His1804=; no amino-acid change (histidine 1804 retained).
Molecular consequence: synonymous variant.
Genome position (GRCh38, 1-based): chr16:3,729,635, G>A on the plus strand (C>T on the coding strand, the complement: CREBBP is on the minus strand). VCF-style: chr16-3729635-G-A. GRCh37 (hg19) VCF-style: chr16-3779636-G-A.
Other names: c.5298C>T, p.His1766= (NM_001079846.1).
Identifiers: ClinVar variation 3346069 (VCV003346069.1).

ClinVar aggregate classification (germline): Likely benign (0 of 4 stars; one submission).

Conditions:
CREBBP-related disorder. Also called: CREBBP-related condition; CREBBP-related disorders.

gnomAD v4.1: 6 of 1,613,992 alleles (0.00037%); highest among the groups gnomAD compares: Non-Finnish European, 0.00042%; no homozygotes.

Submission:

PreventionGenetics, part of Exact Sciences
Classification: Likely benign for CREBBP-related condition. Last evaluated: 2024-06-18. Review status: no assertion criteria provided. Collection method: clinical testing. Allele origin: germline.
Comment: This variant is classified as likely benign based on ACMG/AMP sequence variant interpretation guidelines (Richards et al. 2015 PMID: 25741868, with internal and published modifications).